The following is an entry in ClinVar:

ClinVar aggregate classification (germline): Uncertain significance (1 of 4 stars; one submission).

Conditions:
Inborn genetic diseases. Identifiers: MedGen C0950123, MeSH D030342.

Submission:

Ambry Genetics
Classification: Uncertain significance for Inborn genetic diseases. Last evaluated: 2026-03-12. Review status: criteria provided, single submitter. Criteria: Ambry Variant Classification Scheme 2023. Collection method: clinical testing. Allele origin: germline.
Comment: The p.K1549E variant (also known as c.4645A>G), located in coding exon 31 of the ANKRD26 gene, results from an A to G substitution at nucleotide position 4645. The lysine at codon 1549 is replaced by glutamic acid, an amino acid with similar properties. This amino acid position is conserved. In addition, this alteration is predicted to be tolerated by in silico analysis. Based on the available evidence, the clinical significance of this variant remains unclear.

NM_014915.3(ANKRD26):c.4645A>G (p.Lys1549Glu)

Gene: ANKRD26 (ankyrin repeat domain 26; minus strand). Cytogenetic location: 10p12.1.
Variant type: single nucleotide variant.
Coding change: c.4645A>G on transcript NM_014915.3 (MANE Select); coding-DNA position 4645, A replaced by G.
Protein change: p.Lys1549Glu; replaces lysine 1549 with glutamic acid.
Molecular consequence: missense variant.
Genome position (GRCh38, 1-based): chr10:27,014,573, T>C on the plus strand (A>G on the coding strand, the complement: ANKRD26 is on the minus strand). VCF-style: chr10-27014573-T-C. GRCh37 (hg19) VCF-style: chr10-27303502-T-C.
Other names: c.4642A>G, p.Lys1548Glu (NM_001256053.2); short protein forms K1548E, K1549E.
Identifiers: ClinVar variation 4826431 (VCV004826431.1).